The following is an entry in ClinVar:

ClinVar aggregate classification (germline): Conflicting classifications of pathogenicity. Review status: criteria provided, conflicting classifications (1 of 4 stars). 3 submissions from 3 submitters: Uncertain significance (2); Likely benign (1). Last evaluated 2026-01-22.

Allele frequency attached by ClinVar (database versions not stated): ESP Exome Variant Server 0.00085; gnomAD 0.00112 and 0.00117; gnomAD exomes 0.00119 and 0.00135; 1000 Genomes Project 0.00120; TOPMed 0.00134; ExAC 0.00146; 1000 Genomes Project 30x 0.00156.

Submissions (3):

Labcorp Genetics (formerly Invitae), Labcorp
Classification: Likely benign. Last evaluated: 2026-01-22. Review status: criteria provided, single submitter. Criteria: Invitae Variant Classification Sherloc (09022015). Collection method: clinical testing. Allele origin: germline.

GeneDx
Classification: Uncertain significance. Last evaluated: 2024-11-07. Review status: criteria provided, single submitter. Criteria: GeneDx Variant Classification Process June 2021. Collection method: clinical testing. Allele origin: germline. Affected: yes.
Comment: In silico analysis supports that this missense variant has a deleterious effect on protein structure/function; Has not been previously published as pathogenic or benign to our knowledge

CeGaT Center for Human Genetics Tuebingen
Classification: Uncertain significance. Last evaluated: 2019-03-01. Review status: criteria provided, single submitter. Criteria: CeGaT Center For Human Genetics Tuebingen Variant Classification Criteria Version 2. Collection method: clinical testing. Allele origin: germline. Affected: yes. Observed: 3 variant alleles.

NM_003504.5(CDC45):c.19C>G (p.Arg7Gly)

Gene: CDC45 (cell division cycle 45; plus strand). Cytogenetic location: 22q11.21.
Variant type: single nucleotide variant.
Coding change: c.19C>G on transcript NM_003504.5 (MANE Select); coding-DNA position 19, C replaced by G.
Protein change: p.Arg7Gly; replaces arginine 7 with glycine.
Molecular consequence: missense variant. On other transcripts: non-coding transcript variant (1), intron variant (1).
Genome position (GRCh38, 1-based): chr22:19,479,987, C>G. VCF-style: chr22-19479987-C-G. GRCh37 (hg19) VCF-style: chr22-19467510-C-G.
Other names: c.19C>G, p.Arg7Gly (NM_001178010.2, NM_001178011.2); c.16-171C>G (NM_001369291.1); short protein forms R7G.
Identifiers: ClinVar variation 809317 (VCV000809317.49), dbSNP rs147730653, ClinGen allele CA10100883.